The following is an entry in ClinVar:

NM_001369.3(DNAH5):c.8782_8786dup (p.Phe2930fs)

Gene: DNAH5 (dynein axonemal heavy chain 5; minus strand). Cytogenetic location: 5p15.2.
Variant type: Duplication.
Coding change: c.8782_8786dup on transcript NM_001369.3 (MANE Select); coding-DNA positions 8782 to 8786, 5 bases duplicated (ATGGT; older notation c.8782_8786dupATGGT).
Protein change: p.Phe2930fs; shifts the reading frame from phenylalanine 2930.
Molecular consequence: frameshift variant.
Genome position (GRCh38, 1-based): chr5:13,786,213-13,786,217, ACCAT duplicated on the plus strand (ATGGT on the coding strand, the reverse complement: DNAH5 is on the minus strand). VCF-style (leftmost placement, unchanged base first): chr5-13786212-C-CACCAT. GRCh37 (hg19) VCF-style: chr5-13786321-C-CACCAT.
Other names: c.8782_8786dupATGGT (NM_001369.2); short protein forms F2930fs.
Identifiers: ClinVar variation 952589 (VCV000952589.11), dbSNP rs1755969817, ClinGen allele CA1139658764.

ClinVar aggregate classification (germline): Pathogenic. Review status: criteria provided, multiple submitters, no conflicts (2 of 4 stars). 2 submissions from 2 submitters: Pathogenic (2). Last evaluated 2023-07-10.

Conditions:
Primary ciliary dyskinesia. Also called: Ciliary dyskinesia. Identifiers: Orphanet 244, MedGen C0008780, MONDO:0016575, HP:0012265.

Allele frequency attached by ClinVar (database versions not stated): TOPMed below 0.00001.

Submissions (2):

Labcorp Genetics (formerly Invitae), Labcorp
Classification: Pathogenic for Primary ciliary dyskinesia. Last evaluated: 2023-07-10. Review status: criteria provided, single submitter. Criteria: Invitae Variant Classification Sherloc (09022015). Collection method: clinical testing. Allele origin: germline.
Comment: For these reasons, this variant has been classified as Pathogenic. Algorithms developed to predict the effect of sequence changes on RNA splicing suggest that this variant may disrupt the consensus splice site. ClinVar contains an entry for this variant (Variation ID: 952589). This variant has not been reported in the literature in individuals affected with DNAH5-related conditions. This variant is not present in population databases (gnomAD no frequency). This sequence change creates a premature translational stop signal (p.Phe2930Trpfs*11) in the DNAH5 gene. It is expected to result in an absent or disrupted protein product. Loss-of-function variants in DNAH5 are known to be pathogenic (PMID: 11788826, 16627867).

Ambry Genetics
Classification: Pathogenic for Primary ciliary dyskinesia. Last evaluated: 2016-12-15. Review status: criteria provided, single submitter. Criteria: Ambry Variant Classification Scheme 2023. Collection method: clinical testing. Allele origin: germline.
Comment: The c.8782_8786dupATGGT pathogenic mutation, located in coding exon 52 of the DNAH5 gene, results from a duplication of ATGGT at nucleotide position 8782, causing a translational frameshift with a predicted alternate stop codon (p.F2930Wfs*11). This alteration is expected to result in loss of function by premature protein truncation or nonsense-mediated mRNA decay. As such, this alteration is interpreted as a disease-causing mutation.

Literature cited by the submitters: PubMed 11788826 (cited by Labcorp Genetics (formerly Invitae), Labcorp); PubMed 16627867 (cited by Labcorp Genetics (formerly Invitae), Labcorp).